The following is an entry in ClinVar:

ClinVar aggregate classification (germline): Likely benign. Review status: criteria provided, single submitter (1 of 4 stars). 2 submissions from 2 submitters: Likely benign (1). 1 of the submissions does not count toward it. Last evaluated 2024-05-07.

Conditions:
Holoprosencephaly 9 (HPE9). Also called: PITUITARY ANOMALIES WITH HOLOPROSENCEPHALY-LIKE FEATURES; HOLOPROSENCEPHALY WITH MICROPHTHALMIA AND FIRST BRANCHIAL ARCH ANOMALIES. Identifiers: Orphanet 2162, MedGen C1835819, MONDO:0012563, OMIM 610829.
Postaxial polydactyly-anterior pituitary anomalies-facial dysmorphism syndrome. Also called: Culler-Jones syndrome. Identifiers: Orphanet 420584, MedGen C4014479, MONDO:0014369, OMIM 615849.
GLI2-related disorder. Also called: GLI2-related disorders; GLI2-related condition.

Allele frequency attached by ClinVar (database versions not stated): gnomAD 0.00017 and 0.00020; TOPMed 0.00019.
gnomAD v4.1: 50 of 1,564,658 alleles (0.0032%); highest among the groups gnomAD compares: African/African-American, 0.054%; no homozygotes.

Submissions (2):

Labcorp Genetics (formerly Invitae), Labcorp
Classification: Likely benign for Postaxial polydactyly-anterior pituitary anomalies-facial dysmorphism syndrome; Holoprosencephaly 9. Last evaluated: 2024-05-07. Review status: criteria provided, single submitter. Criteria: Invitae Variant Classification Sherloc (09022015). Collection method: clinical testing. Allele origin: germline.

PreventionGenetics, part of Exact Sciences
Classification: Likely benign for GLI2-related condition. Last evaluated: 2019-08-12. Review status: no assertion criteria provided. Collection method: clinical testing. Allele origin: germline. Not counted in ClinVar's aggregate classification.
Comment: This variant is classified as likely benign based on ACMG/AMP sequence variant interpretation guidelines (Richards et al. 2015 PMID: 25741868, with internal and published modifications).

NM_001374353.1(GLI2):c.2502C>T (p.Ser834=)

Gene: GLI2 (GLI family zinc finger 2; plus strand). Cytogenetic location: 2q14.2.
Variant type: single nucleotide variant.
Coding change: c.2502C>T on transcript NM_001374353.1 (MANE Select); coding-DNA position 2502, C replaced by T.
Protein change: p.Ser834=; no amino-acid change (serine 834 retained).
Molecular consequence: synonymous variant.
Genome position (GRCh38, 1-based): chr2:120,988,467, C>T. VCF-style: chr2-120988467-C-T. GRCh37 (hg19) VCF-style: chr2-121746043-C-T.
Other names: c.2553C>T (NM_005270.4); c.2553C>T, p.Ser851= (NM_001371271.1, NM_005270.5); c.2127C>T, p.Ser709= (NM_001374354.1).
Identifiers: ClinVar variation 1583146 (VCV001583146.10), dbSNP rs765818439, ClinGen allele CA1852249.